The following is an entry in ClinVar:

ClinVar aggregate classification (germline): Uncertain significance. Review status: criteria provided, single submitter (1 of 4 stars). 2 submissions from 2 submitters: Uncertain significance (1). 1 of the submissions does not count toward it. Last evaluated 2024-11-05.

Conditions:
Granulomatous disease, chronic, X-linked. Also called: CYTOCHROME b-NEGATIVE GRANULOMATOUS DISEASE, CHRONIC, X-LINKED; GRANULOMATOUS DISEASE, CHRONIC, X-LINKED, SOMATIC MOSAIC. Identifiers: Orphanet 379, MedGen C1844376, MONDO:0010600, OMIM 306400.

Submissions (2):

Labcorp Genetics (formerly Invitae), Labcorp
Classification: Uncertain significance for Granulomatous disease, chronic, X-linked. Last evaluated: 2024-11-05. Review status: criteria provided, single submitter. Criteria: Invitae Variant Classification Sherloc (09022015). Collection method: clinical testing. Allele origin: germline.
Comment: This sequence change replaces histidine, which is basic and polar, with asparagine, which is neutral and polar, at codon 222 of the CYBB protein (p.His222Asn). This variant is not present in population databases (gnomAD no frequency). This missense change has been observed in individual(s) with chronic granulomatous disease (PMID: 9585602). ClinVar contains an entry for this variant (Variation ID: 68401). Invitae Evidence Modeling of protein sequence and biophysical properties (such as structural, functional, and spatial information, amino acid conservation, physicochemical variation, residue mobility, and thermodynamic stability) indicates that this missense variant is expected to disrupt CYBB protein function with a positive predictive value of 80%. This variant disrupts the p.His222 amino acid residue in CYBB. Other variant(s) that disrupt this residue have been determined to be pathogenic (PMID: 9585602, 10089913, 18546332, 24999735, 29560547). This suggests that this residue is clinically significant, and that variants that disrupt this residue are likely to be disease-causing. In summary, the available evidence is currently insufficient to determine the role of this variant in disease. Therefore, it has been classified as a Variant of Uncertain Significance.

UniProtKB/Swiss-Prot
No classification provided. Review status: no classification provided. Collection method: not provided. Allele origin: not provided. Not counted in ClinVar's aggregate classification.

Literature cited by the submitters: PubMed 9585602 (cited by Labcorp Genetics (formerly Invitae), Labcorp); PubMed 10089913 (cited by Labcorp Genetics (formerly Invitae), Labcorp); PubMed 18546332 (cited by Labcorp Genetics (formerly Invitae), Labcorp); PubMed 24999735 (cited by Labcorp Genetics (formerly Invitae), Labcorp); PubMed 29560547 (cited by Labcorp Genetics (formerly Invitae), Labcorp).

NM_000397.4(CYBB):c.664C>A (p.His222Asn)

Gene: CYBB (cytochrome b-245 beta chain; plus strand). Cytogenetic location: Xp21.1.
Variant type: single nucleotide variant.
Coding change: c.664C>A on transcript NM_000397.4 (MANE Select); coding-DNA position 664, C replaced by A.
Protein change: p.His222Asn; replaces histidine 222 with asparagine.
Molecular consequence: missense variant.
Genome position (GRCh38, 1-based): chrX:37,796,131, C>A. VCF-style: chrX-37796131-C-A. GRCh37 (hg19) VCF-style: chrX-37655384-C-A.
Other names: short protein forms H222N.
Identifiers: ClinVar variation 68401 (VCV000068401.3), dbSNP rs151344460, ClinGen allele CA219734.